The following is an entry in ClinVar:

NM_001408.3(CELSR2):c.2624C>T (p.Thr875Met)

Gene: CELSR2 (cadherin EGF LAG seven-pass G-type receptor 2; plus strand). Cytogenetic location: 1p13.3.
Variant type: single nucleotide variant.
Coding change: c.2624C>T on transcript NM_001408.3 (MANE Select); coding-DNA position 2624, C replaced by T.
Protein change: p.Thr875Met; replaces threonine 875 with methionine.
Molecular consequence: missense variant.
Genome position (GRCh38, 1-based): chr1:109,252,703, C>T. VCF-style: chr1-109252703-C-T. GRCh37 (hg19) VCF-style: chr1-109795325-C-T.
Other names: c.2624C>T (NM_001408.2); short protein forms T875M.
Identifiers: ClinVar variation 1953779 (VCV001953779.6), dbSNP rs772622829, ClinGen allele CA986799.
Genomic context (GRCh38, chr1:109,252,703, plus strand): 5'-AAGGAGGCGACGATGGAGACGGTGACTTTATTGTTGAGTCCACGTCAGGCATCGTGCGAA[C>T]GCTACGGAGGCTGGATCGAGAGAACGTGGCCCAGTATGTCTTGCGGGCATATGCAGTGGA-3'
Protein context (NP_001399.1, residues 865-885): IVESTSGIVR[Thr875Met]LRRLDRENVA

ClinVar aggregate classification (germline): Uncertain significance. Review status: criteria provided, multiple submitters, no conflicts (2 of 4 stars). 2 submissions from 2 submitters: Uncertain significance (2). Last evaluated 2024-08-19.

Allele frequency attached by ClinVar (database versions not stated): gnomAD exomes below 0.00001; ExAC 0.00001; TOPMed 0.00002.
gnomAD v4.1: 5 of 1,614,060 alleles (0.00031%); highest among the groups gnomAD compares: Non-Finnish European, 0.00042%; no homozygotes.

Submissions (2):

Ambry Genetics
Classification: Uncertain significance. Last evaluated: 2024-08-19. Review status: criteria provided, single submitter. Criteria: Ambry Variant Classification Scheme 2023. Collection method: clinical testing. Allele origin: germline.

Labcorp Genetics (formerly Invitae), Labcorp
Classification: Uncertain significance. Last evaluated: 2022-05-15. Review status: criteria provided, single submitter. Criteria: Invitae Variant Classification Sherloc (09022015). Collection method: clinical testing. Allele origin: germline.
Comment: In summary, the available evidence is currently insufficient to determine the role of this variant in disease. Therefore, it has been classified as a Variant of Uncertain Significance. Algorithms developed to predict the effect of missense changes on protein structure and function (SIFT, PolyPhen-2, Align-GVGD) all suggest that this variant is likely to be disruptive. This variant has not been reported in the literature in individuals affected with CELSR2-related conditions. This variant is present in population databases (rs772622829, gnomAD 0.0009%). This sequence change replaces threonine, which is neutral and polar, with methionine, which is neutral and non-polar, at codon 875 of the CELSR2 protein (p.Thr875Met).